The following is an entry in ClinVar:

NM_138694.4(PKHD1):c.982C>G (p.Arg328Gly)

Gene: PKHD1 (PKHD1 ciliary IPT domain containing fibrocystin/polyductin; minus strand). Cytogenetic location: 6p12.2.
Variant type: single nucleotide variant.
Coding change: c.982C>G on transcript NM_138694.4 (MANE Select); coding-DNA position 982, C replaced by G.
Protein change: p.Arg328Gly; replaces arginine 328 with glycine.
Molecular consequence: missense variant.
Genome position (GRCh38, 1-based): chr6:52,062,655, G>C on the plus strand (C>G on the coding strand, the complement: PKHD1 is on the minus strand). VCF-style: chr6-52062655-G-C. GRCh37 (hg19) VCF-style: chr6-51927453-G-C.
Other names: c.982C>G, p.Arg328Gly (NM_170724.3); short protein forms R328G.
Identifiers: ClinVar variation 4816809 (VCV004816809.1).

ClinVar aggregate classification (germline): Likely pathogenic (1 of 4 stars; one submission).

Conditions:
Autosomal recessive polycystic kidney disease (ARPKD). Also called: AR polycystic kidney disease. Identifiers: Orphanet 731, Orphanet 8378, MedGen C0085548, MeSH D017044, MONDO:0009889.

gnomAD v4.1: 1 of 1,614,070 alleles (0.000062%); highest among the groups gnomAD compares: Non-Finnish European, 0.000085%; no homozygotes.

Submission:

Natera, Inc.
Classification: Likely pathogenic for Autosomal recessive polycystic kidney disease. Last evaluated: 2024-10-01. Review status: criteria provided, single submitter. Criteria: Natera Variant Classification Schema (03/2026). Collection method: clinical testing. Allele origin: germline.
Comment: The c.982C>G variant in PKHD1 is a missense variant predicted to cause substitution of arginine to glycine at amino acid 328. This variant is rare in the general population with a frequency below the threshold expected for the associated phenotype(s). This variant has been observed in one or more individuals affected with the associated recessive disease, as either homozygous or compound heterozygous with a second variant (PMID: 19940839). A different variant at the same position has been determined to be Pathogenic or Likely Pathogenic. Computational prediction algorithms indicate this variant is likely to affect gene or protein function. Given the available evidence, this variant is classified as Likely Pathogenic.

Literature cited by the submitters: PubMed 19940839.